The following is an entry in ClinVar:

NM_004168.4(SDHA):c.326C>G (p.Ala109Gly)

Gene: SDHA (succinate dehydrogenase complex flavoprotein subunit A; plus strand). Cytogenetic location: 5p15.33.
Variant type: single nucleotide variant.
Coding change: c.326C>G on transcript NM_004168.4 (MANE Select); coding-DNA position 326, C replaced by G.
Protein change: p.Ala109Gly; replaces alanine 109 with glycine.
Molecular consequence: missense variant. On other transcripts: intron variant (1).
Genome position (GRCh38, 1-based): chr5:225,432, C>G. VCF-style: chr5-225432-C-G. GRCh37 (hg19) VCF-style: chr5-225547-C-G.
Other names: c.326C>G, p.Ala109Gly (NM_001330758.2); c.313-451C>G (NM_001294332.2); short protein forms A109G.
Identifiers: ClinVar variation 2447200 (VCV002447200.2), dbSNP rs2126546673, ClinGen allele CA359009208.

ClinVar aggregate classification (germline): Uncertain significance (1 of 4 stars; one submission).

Conditions:
Hereditary cancer-predisposing syndrome. Also called: Neoplastic Syndromes, Hereditary; Hereditary Cancer Syndrome; Tumor predisposition; Hereditary neoplastic syndrome. Identifiers: Orphanet 140162, MedGen C0027672, MeSH D009386, MONDO:0015356.

Submission:

Ambry Genetics
Classification: Uncertain significance for Hereditary cancer-predisposing syndrome. Last evaluated: 2022-11-06. Review status: criteria provided, single submitter. Criteria: Ambry Variant Classification Scheme 2023. Collection method: clinical testing. Allele origin: germline.
Comment: The p.A109G variant (also known as c.326C>G), located in coding exon 4 of the SDHA gene, results from a C to G substitution at nucleotide position 326. The alanine at codon 109 is replaced by glycine, an amino acid with similar properties. This amino acid position is conserved. In addition, the in silico prediction for this alteration is inconclusive. Since supporting evidence is limited at this time, the clinical significance of this alteration remains unclear.